The following is an entry in ClinVar:

ClinVar aggregate classification (germline): Uncertain significance (1 of 4 stars; one submission).

gnomAD v4.1: 1 of 1,613,488 alleles (0.000062%); highest among the groups gnomAD compares: Non-Finnish European, 0.000085%; no homozygotes.

Submission:

GeneDx
Classification: Uncertain significance. Last evaluated: 2026-02-17. Review status: criteria provided, single submitter. Criteria: GeneDx Variant Classification Process June 2021. Collection method: clinical testing. Allele origin: germline.
Comment: Not observed at significant frequency in large population cohorts (gnomAD); In silico analysis supports that this missense variant has a deleterious effect on protein structure/function; Has not been previously published as pathogenic or benign to our knowledge

NM_005121.3(MED13):c.3782T>C (p.Leu1261Ser)

Gene: MED13 (mediator complex subunit 13; minus strand). Cytogenetic location: 17q23.2.
Variant type: single nucleotide variant.
Coding change: c.3782T>C on transcript NM_005121.3 (MANE Select); coding-DNA position 3782, T replaced by C.
Protein change: p.Leu1261Ser; replaces leucine 1261 with serine.
Molecular consequence: missense variant.
Genome position (GRCh38, 1-based): chr17:61,982,221, A>G on the plus strand (T>C on the coding strand, the complement: MED13 is on the minus strand). VCF-style: chr17-61982221-A-G. GRCh37 (hg19) VCF-style: chr17-60059582-A-G.
Other names: short protein forms L1261S.
Identifiers: ClinVar variation 5008513 (VCV005008513.1).